The following is an entry in ClinVar:

ClinVar aggregate classification (germline): Uncertain significance. Review status: criteria provided, multiple submitters, no conflicts (2 of 4 stars). 4 submissions from 4 submitters: Uncertain significance (4). Last evaluated 2025-08-30.

Conditions:
Hereditary cancer-predisposing syndrome. Also called: Hereditary neoplastic syndrome; Neoplastic Syndromes, Hereditary; Tumor predisposition; Hereditary Cancer Syndrome. Identifiers: Orphanet 140162, MedGen C0027672, MeSH D009386, MONDO:0015356.
Hereditary breast ovarian cancer syndrome. Also called: Hereditary breast and ovarian cancer syndrome (HBOC); Breast and ovarian cancer; Hereditary breast and/or ovarian cancer syndrome; BRCA1- and BRCA2-Associated Hereditary Breast and Ovarian Cancer; Hereditary breast and ovarian cancer syndrome; Hereditary breast and ovarian cancer. Identifiers: Orphanet 145, MedGen C0677776, MeSH D061325, MONDO:0003582. Disease mechanism: loss of function.

Allele frequency attached by ClinVar (database versions not stated): ExAC 0.00001; gnomAD exomes 0.00001.
gnomAD v4.1: 3 of 1,613,568 alleles (0.00019%); no homozygotes.

Submissions (4):

Labcorp Genetics (formerly Invitae), Labcorp
Classification: Uncertain significance for Hereditary breast ovarian cancer syndrome. Last evaluated: 2025-08-30. Review status: criteria provided, single submitter. Criteria: Invitae Variant Classification Sherloc (09022015). Collection method: clinical testing. Allele origin: germline.
Comment: This sequence change replaces serine, which is neutral and polar, with tyrosine, which is neutral and polar, at codon 3239 of the BRCA2 protein (p.Ser3239Tyr). This variant is present in population databases (rs779728869, gnomAD 0.02%). This missense change has been observed in individual(s) with colorectal cancer (PMID: 28135145). This variant is also known as 9944C>A. ClinVar contains an entry for this variant (Variation ID: 185878). Invitae Evidence Modeling of protein sequence and biophysical properties (such as structural, functional, and spatial information, amino acid conservation, physicochemical variation, residue mobility, and thermodynamic stability) indicates that this missense variant is not expected to disrupt BRCA2 protein function with a negative predictive value of 95%. In summary, the available evidence is currently insufficient to determine the role of this variant in disease. Therefore, it has been classified as a Variant of Uncertain Significance.

Ambry Genetics
Classification: Uncertain significance for Hereditary cancer-predisposing syndrome. Last evaluated: 2025-03-27. Review status: criteria provided, single submitter. Criteria: Ambry Variant Classification Scheme 2023. Collection method: clinical testing. Allele origin: germline.
Comment: The p.S3239Y variant (also known as c.9716C>A), located in coding exon 26 of the BRCA2 gene, results from a C to A substitution at nucleotide position 9716. The serine at codon 3239 is replaced by tyrosine, an amino acid with dissimilar properties. This amino acid position is well conserved in available vertebrate species. In addition, this alteration is predicted to be tolerated by in silico analysis. Based on the available evidence, the clinical significance of this variant remains unclear.

Color Diagnostics, LLC DBA Color Health
Classification: Uncertain significance for Hereditary cancer-predisposing syndrome. Last evaluated: 2023-03-17. Review status: criteria provided, single submitter. Criteria: ACMG Guidelines, 2015. Collection method: clinical testing. Allele origin: germline.
Comment: This missense variant replaces serine with tyrosine at codon 3239 of the BRCA2 protein. Computational prediction suggests that this variant may not impact protein structure and function (internally defined REVEL score threshold <= 0.5, PMID: 27666373). To our knowledge, functional studies have not been reported for this variant. This variant has been reported in an individual affected with colorectal cancer (PMID: 28135145). This variant also has been reported in 1 individual age 70 years or older without cancer in the FLOSSIES database. This variant has been identified in 2/250836 chromosomes in the general population by the Genome Aggregation Database (gnomAD). The available evidence is insufficient to determine the role of this variant in disease conclusively. Therefore, this variant is classified as a Variant of Uncertain Significance.

Quest Diagnostics Nichols Institute San Juan Capistrano
Classification: Uncertain significance. Last evaluated: 2019-04-02. Review status: criteria provided, single submitter. Criteria: Quest Diagnostics criteria. Collection method: clinical testing. Allele origin: germline.

Literature cited by the submitters: PubMed 28135145 (cited by 3 submitters).

NM_000059.4(BRCA2):c.9716C>A (p.Ser3239Tyr)

Gene: BRCA2 (BRCA2 DNA repair associated; plus strand). Cytogenetic location: 13q13.1.
Variant type: single nucleotide variant.
Coding change: c.9716C>A on transcript NM_000059.4 (MANE Select); coding-DNA position 9716, C replaced by A.
Protein change: p.Ser3239Tyr; replaces serine 3239 with tyrosine.
Molecular consequence: missense variant.
Genome position (GRCh38, 1-based): chr13:32,398,229, C>A. VCF-style: chr13-32398229-C-A. GRCh37 (hg19) VCF-style: chr13-32972366-C-A.
Other names: short protein forms S3239Y.
Identifiers: ClinVar variation 185878 (VCV000185878.23), dbSNP rs779728869, ClinGen allele CA026278.
Genomic context (GRCh38, chr13:32,398,229, plus strand): 5'-CTCCTAATTGTGAGATATATTATCAAAGTCCTTTATCACTTTGTATGGCCAAAAGGAAGT[C>A]TGTTTCCACACCTGTCTCAGCCCAGATGACTTCAAAGTCTTGTAAAGGGGAGAAAGAGAT-3'
Protein context (NP_000050.3, residues 3229-3249): PLSLCMAKRK[Ser3239Tyr]VSTPVSAQMT